The following is an entry in ClinVar:

ClinVar aggregate classification (germline): Uncertain significance. Review status: criteria provided, multiple submitters, no conflicts (2 of 4 stars). 2 submissions from 2 submitters: Uncertain significance (2). Last evaluated 2025-12-23.

Conditions:
Cardiovascular phenotype. Identifiers: MedGen CN230736.
Atrioventricular septal defect 4 (AVSD4). Identifiers: MedGen C3280781, MONDO:0013747, OMIM 614430.

Allele frequency attached by ClinVar (database versions not stated): gnomAD exomes below 0.00001; gnomAD 0.00001; TOPMed 0.00001.
gnomAD v4.1: 2 of 1,345,846 alleles (0.00015%); highest among the groups gnomAD compares: Admixed American, 0.0064%; no homozygotes.

Submissions (2):

Labcorp Genetics (formerly Invitae), Labcorp
Classification: Uncertain significance for Atrioventricular septal defect 4. Last evaluated: 2025-12-23. Review status: criteria provided, single submitter. Criteria: Invitae Variant Classification Sherloc (09022015). Collection method: clinical testing. Allele origin: germline.
Comment: This sequence change replaces proline, which is neutral and non-polar, with alanine, which is neutral and non-polar, at codon 101 of the GATA4 protein (p.Pro101Ala). This variant is present in population databases (no rsID available, gnomAD 0.03%). This variant has not been reported in the literature in individuals affected with GATA4-related conditions. ClinVar contains an entry for this variant (Variation ID: 3221990). Invitae Evidence Modeling of protein sequence and biophysical properties (such as structural, functional, and spatial information, amino acid conservation, physicochemical variation, residue mobility, and thermodynamic stability) indicates that this missense variant is not expected to disrupt GATA4 protein function with a negative predictive value of 95%. In summary, the available evidence is currently insufficient to determine the role of this variant in disease. Therefore, it has been classified as a Variant of Uncertain Significance.

Ambry Genetics
Classification: Uncertain significance for Cardiovascular phenotype. Last evaluated: 2023-09-22. Review status: criteria provided, single submitter. Criteria: Ambry Variant Classification Scheme 2023. Collection method: clinical testing. Allele origin: germline.
Comment: The p.P101A variant (also known as c.301C>G), located in coding exon 1 of the GATA4 gene, results from a C to G substitution at nucleotide position 301. The proline at codon 101 is replaced by alanine, an amino acid with highly similar properties. This amino acid position is conserved. In addition, the in silico prediction for this alteration is inconclusive. Since supporting evidence is limited at this time, the clinical significance of this alteration remains unclear.

NM_001308093.3(GATA4):c.301C>G (p.Pro101Ala)

Gene: GATA4 (GATA binding protein 4). Cytogenetic location: 8p23.1.
Variant type: single nucleotide variant.
Coding change: c.301C>G on transcript NM_001308093.3 (MANE Select); coding-DNA position 301, C replaced by G.
Protein change: p.Pro101Ala; replaces proline 101 with alanine.
Molecular consequence: missense variant. On other transcripts: intron variant (3).
Genome position (GRCh38, 1-based): chr8:11,708,613, C>G. VCF-style: chr8-11708613-C-G. GRCh37 (hg19) VCF-style: chr8-11566122-C-G.
Other names: c.301C>G, p.Pro101Ala (NM_002052.5); c.-6+7835C>G (NM_001308094.2); c.-3+599C>G (NM_001374274.1); c.-3+4309C>G (NM_001374273.1); short protein forms P101A.
Identifiers: ClinVar variation 3221990 (VCV003221990.2), dbSNP rs944772065, ClinGen allele CA172074762.
Genomic context (GRCh38, chr8:11,708,613, plus strand): 5'-GGGACCCAGCAGGGCAGCCCGGGATGGAGCCAGGCGGGAGCCGACGGAGCCGCTTACACC[C>G]CGCCGCCGGTGTCGCCGCGCTTCTCCTTCCCGGGGACCACCGGGTCCCTGGCGGCCGCCG-3'
Protein context (NP_001295022.1, residues 91-111): QAGADGAAYT[Pro101Ala]PPVSPRFSFP